The following is an entry in ClinVar:

NM_001377.3(DYNC2H1):c.11493+260G>A

Gene: DYNC2H1 (dynein cytoplasmic 2 heavy chain 1; plus strand). Cytogenetic location: 11q22.3.
Variant type: single nucleotide variant.
Coding change: c.11493+260G>A on transcript NM_001377.3 (MANE Select); 260 bases into the intron after coding-DNA position 11493, G replaced by A.
Molecular consequence: intron variant.
Genome position (GRCh38, 1-based): chr11:103,308,091, G>A. VCF-style: chr11-103308091-G-A. GRCh37 (hg19) VCF-style: chr11-103178820-G-A.
Other names: c.11514+260G>A (NM_001080463.2).
Identifiers: ClinVar variation 667759 (VCV000667759.1), dbSNP rs4564301, ClinGen allele CA13469050.

ClinVar aggregate classification (germline): Benign (1 of 4 stars; one submission).

Allele frequency attached by ClinVar (database versions not stated): 1000 Genomes Project 0.17232; gnomAD 0.17320 and 0.17379; 1000 Genomes Project 30x 0.17614; TOPMed 0.18468.
gnomAD v4.1: 26,302 of 152,110 alleles (17%); highest among the groups gnomAD compares: Admixed American, 26%; 2,465 homozygotes.

Submission:

GeneDx
Classification: Benign. Last evaluated: 2018-06-14. Review status: criteria provided, single submitter. Criteria: GeneDx Variant Classification (06012015). Collection method: clinical testing. Allele origin: germline. Affected: yes.
Comment: This variant is considered likely benign or benign based on one or more of the following criteria: it is a conservative change, it occurs at a poorly conserved position in the protein, it is predicted to be benign by multiple in silico algorithms, and/or has population frequency not consistent with disease.